The following is an entry in ClinVar:

ClinVar aggregate classification (germline): Likely benign. Review status: criteria provided, single submitter (1 of 4 stars). 2 submissions from 2 submitters: Likely benign (1). 1 of the submissions does not count toward it. Last evaluated 2026-05-01.

Conditions:
SYNCRIP-related disorder. Also called: SYNCRIP-related condition.

Allele frequency attached by ClinVar (database versions not stated): ESP Exome Variant Server 0.00023; TOPMed 0.00097; gnomAD 0.00104; 1000 Genomes Project 30x 0.00109; ExAC 0.00156; 1000 Genomes Project 0.00240.
gnomAD v4.1: 1,796 of 1,613,446 alleles (0.11%); highest among the groups gnomAD compares: Non-Finnish European, 0.11%; 1 homozygote.

Submissions (2):

CeGaT Center for Human Genetics Tuebingen
Classification: Likely benign. Last evaluated: 2026-05-01. Review status: criteria provided, single submitter. Criteria: CeGaT Center For Human Genetics Tuebingen Variant Classification Criteria Version 2. Collection method: clinical testing. Allele origin: germline. Affected: yes. Observed: 4 variant alleles.
Comment: SYNCRIP: BP4, BP7

PreventionGenetics, part of Exact Sciences
Classification: Benign for SYNCRIP-related condition. Last evaluated: 2019-03-01. Review status: no assertion criteria provided. Collection method: clinical testing. Allele origin: germline. Not counted in ClinVar's aggregate classification.
Comment: This variant is classified as benign based on ACMG/AMP sequence variant interpretation guidelines (Richards et al. 2015 PMID: 25741868, with internal and published modifications).

NM_006372.5(SYNCRIP):c.1554C>T (p.Arg518=)

Gene: SYNCRIP (synaptotagmin binding cytoplasmic RNA interacting protein; minus strand). Cytogenetic location: 6q14.3.
Variant type: single nucleotide variant.
Coding change: c.1554C>T on transcript NM_006372.5 (MANE Select); coding-DNA position 1554, C replaced by T.
Protein change: p.Arg518=; no amino-acid change (arginine 518 retained).
Molecular consequence: synonymous variant.
Genome position (GRCh38, 1-based): chr6:85,615,074, G>A on the plus strand (C>T on the coding strand, the complement: SYNCRIP is on the minus strand). VCF-style: chr6-85615074-G-A. GRCh37 (hg19) VCF-style: chr6-86324792-G-A.
Other names: c.1260C>T, p.Arg420= (NM_001159673.2, NM_001410938.1); c.1449C>T, p.Arg483= (NM_001159674.2, NM_001159675.2); c.1554C>T, p.Arg518= (NM_001159676.2, NM_001159677.2); c.1098C>T, p.Arg366= (NM_001253771.2).
Identifiers: ClinVar variation 2656734 (VCV002656734.25), dbSNP rs149887697, ClinGen allele CA3912662.